The following is an entry in ClinVar:

NM_015178.3(RHOBTB2):c.1960T>C (p.Ser654Pro)

Gene: RHOBTB2 (Rho related BTB domain containing 2; plus strand). Cytogenetic location: 8p21.3.
Variant type: single nucleotide variant.
Coding change: c.1960T>C on transcript NM_015178.3 (MANE Select); coding-DNA position 1960, T replaced by C.
Protein change: p.Ser654Pro; replaces serine 654 with proline.
Molecular consequence: missense variant.
Genome position (GRCh38, 1-based): chr8:23,015,737, T>C. VCF-style: chr8-23015737-T-C. GRCh37 (hg19) VCF-style: chr8-22873250-T-C.
Other names: c.2026T>C, p.Ser676Pro (NM_001160036.2); c.1981T>C, p.Ser661Pro (NM_001160037.2); c.1960T>C, p.Ser654Pro (NM_001374791.1); short protein forms S654P, S661P, S676P.
Identifiers: ClinVar variation 2011188 (VCV002011188.4), dbSNP rs2487051279, ClinGen allele CA370576148.

ClinVar aggregate classification (germline): Uncertain significance (1 of 4 stars; one submission).

Submission:

Labcorp Genetics (formerly Invitae), Labcorp
Classification: Uncertain significance. Last evaluated: 2022-06-26. Review status: criteria provided, single submitter. Criteria: Invitae Variant Classification Sherloc (09022015). Collection method: clinical testing. Allele origin: germline.
Comment: This sequence change replaces serine, which is neutral and polar, with proline, which is neutral and non-polar, at codon 676 of the RHOBTB2 protein (p.Ser676Pro). In summary, the available evidence is currently insufficient to determine the role of this variant in disease. Therefore, it has been classified as a Variant of Uncertain Significance. Algorithms developed to predict the effect of missense changes on protein structure and function are either unavailable or do not agree on the potential impact of this missense change (SIFT: "Tolerated"; PolyPhen-2: "Probably Damaging"; Align-GVGD: "Class C0"). This variant has not been reported in the literature in individuals affected with RHOBTB2-related conditions. This variant is not present in population databases (gnomAD no frequency).